The following is an entry in ClinVar:

ClinVar aggregate classification (germline): Uncertain significance. Review status: criteria provided, multiple submitters, no conflicts (2 of 4 stars). 4 submissions from 4 submitters: Uncertain significance (4). Last evaluated 2025-08-03.

Conditions:
Inborn genetic diseases. Identifiers: MedGen C0950123, MeSH D030342.
Hereditary spastic paraplegia 48. Also called: SPASTIC PARAPLEGIA 48, AUTOSOMAL RECESSIVE; Spastic paraplegia 48. Identifiers: Orphanet 306511, MedGen C3150901, MONDO:0013342, OMIM 613647.
Hereditary spastic paraplegia. Also called: Familial spastic paraparesis. Identifiers: Orphanet 685, MedGen C0037773, MONDO:0019064. Disease mechanism: loss of function.

Allele frequency attached by ClinVar (database versions not stated): gnomAD 0.00002 and 0.00003; TOPMed 0.00003.
gnomAD v4.1: 23 of 1,610,540 alleles (0.0014%); highest among the groups gnomAD compares: Middle Eastern, 0.017%; no homozygotes.

Submissions (4):

Ambry Genetics
Classification: Uncertain significance for Inborn genetic diseases. Last evaluated: 2025-08-03. Review status: criteria provided, single submitter. Criteria: Ambry Variant Classification Scheme 2023. Collection method: clinical testing. Allele origin: germline.

Genomic Medicine Center of Excellence, King Faisal Specialist Hospital and Research Centre
Classification: Uncertain significance for Hereditary spastic paraplegia 48. Last evaluated: 2024-04-04. Review status: criteria provided, single submitter. Criteria: ACMG Guidelines, 2015. Collection method: clinical testing. Allele origin: germline.

Labcorp Genetics (formerly Invitae), Labcorp
Classification: Uncertain significance for Hereditary spastic paraplegia 48. Last evaluated: 2022-08-16. Review status: criteria provided, single submitter. Criteria: Invitae Variant Classification Sherloc (09022015). Collection method: clinical testing. Allele origin: germline.
Comment: This sequence change replaces arginine, which is basic and polar, with cysteine, which is neutral and slightly polar, at codon 548 of the AP5Z1 protein (p.Arg548Cys). This variant is present in population databases (rs777692803, gnomAD 0.01%). This variant has not been reported in the literature in individuals affected with AP5Z1-related conditions. ClinVar contains an entry for this variant (Variation ID: 1344216). Algorithms developed to predict the effect of missense changes on protein structure and function are either unavailable or do not agree on the potential impact of this missense change (SIFT: "Deleterious"; PolyPhen-2: "Probably Damaging"; Align-GVGD: "Class C0"). In summary, the available evidence is currently insufficient to determine the role of this variant in disease. Therefore, it has been classified as a Variant of Uncertain Significance.

Genome Diagnostics Laboratory, The Hospital for Sick Children
Classification: Uncertain significance for Hereditary spastic paraplegia. Last evaluated: 2016-12-12. Review status: criteria provided, single submitter. Criteria: ACMG Guidelines, 2015. Collection method: clinical testing. Allele origin: germline. Affected: yes.

NM_014855.3(AP5Z1):c.1642C>T (p.Arg548Cys)

Gene: AP5Z1 (adaptor related protein complex 5 subunit zeta 1; plus strand). Cytogenetic location: 7p22.1.
Variant type: single nucleotide variant.
Coding change: c.1642C>T on transcript NM_014855.3 (MANE Select); coding-DNA position 1642, C replaced by T.
Protein change: p.Arg548Cys; replaces arginine 548 with cysteine.
Molecular consequence: missense variant. On other transcripts: non-coding transcript variant (1).
Genome position (GRCh38, 1-based): chr7:4,788,886, C>T. VCF-style: chr7-4788886-C-T. GRCh37 (hg19) VCF-style: chr7-4828517-C-T.
Other names: c.1174C>T, p.Arg392Cys (NM_001364858.1); short protein forms R392C, R548C.
Identifiers: ClinVar variation 1344216 (VCV001344216.7), dbSNP rs777692803, ClinGen allele CA4137949.